The following is an entry in ClinVar:

ClinVar aggregate classification (germline): Uncertain significance (1 of 4 stars; one submission).

Allele frequency attached by ClinVar (database versions not stated): gnomAD exomes below 0.00001 and 0.00001.

Submission:

Labcorp Genetics (formerly Invitae), Labcorp
Classification: Uncertain significance. Last evaluated: 2022-11-08. Review status: criteria provided, single submitter. Criteria: Invitae Variant Classification Sherloc (09022015). Collection method: clinical testing. Allele origin: germline.
Comment: In summary, the available evidence is currently insufficient to determine the role of this variant in disease. Therefore, it has been classified as a Variant of Uncertain Significance. Advanced modeling of protein sequence and biophysical properties (such as structural, functional, and spatial information, amino acid conservation, physicochemical variation, residue mobility, and thermodynamic stability) performed at Invitae indicates that this missense variant is not expected to disrupt GNAT1 protein function. ClinVar contains an entry for this variant (Variation ID: 1461358). This variant has not been reported in the literature in individuals affected with GNAT1-related conditions. This variant is present in population databases (no rsID available, gnomAD 0.006%). This sequence change replaces arginine, which is basic and polar, with histidine, which is basic and polar, at codon 253 of the GNAT1 protein (p.Arg253His).

NM_144499.3(GNAT1):c.758G>A (p.Arg253His)

Gene: GNAT1 (G protein subunit alpha transducin 1; plus strand). Cytogenetic location: 3p21.31.
Variant type: single nucleotide variant.
Coding change: c.758G>A on transcript NM_144499.3 (MANE Select); coding-DNA position 758, G replaced by A.
Protein change: p.Arg253His; replaces arginine 253 with histidine.
Molecular consequence: missense variant.
Genome position (GRCh38, 1-based): chr3:50,194,550, G>A. VCF-style: chr3-50194550-G-A. GRCh37 (hg19) VCF-style: chr3-50231983-G-A.
Other names: c.758G>A, p.Arg253His (NM_000172.4); short protein forms R253H.
Identifiers: ClinVar variation 1461358 (VCV001461358.8), dbSNP rs1475939846, ClinGen allele CA352917857.